The following is an entry in ClinVar:

NM_013447.4(ADGRE2):c.230T>C (p.Val77Ala)

Gene: ADGRE2 (adhesion G protein-coupled receptor E2; minus strand). Cytogenetic location: 19p13.12.
Variant type: single nucleotide variant.
Coding change: c.230T>C on transcript NM_013447.4 (MANE Select); coding-DNA position 230, T replaced by C.
Protein change: p.Val77Ala; replaces valine 77 with alanine.
Molecular consequence: missense variant.
Genome position (GRCh38, 1-based): chr19:14,772,467, A>G on the plus strand (T>C on the coding strand, the complement: ADGRE2 is on the minus strand). VCF-style: chr19-14772467-A-G. GRCh37 (hg19) VCF-style: chr19-14883279-A-G.
Other names: c.230T>C, p.Val77Ala (NM_001271052.1, NM_152916.2, NM_152917.2); short protein forms V77A.
Identifiers: ClinVar variation 3000989 (VCV003000989.3), dbSNP rs942824515, ClinGen allele CA305725272.

ClinVar aggregate classification (germline): Uncertain significance (1 of 4 stars; one submission).

Allele frequency attached by ClinVar (database versions not stated): gnomAD exomes below 0.00001; gnomAD 0.00001; TOPMed 0.00001.

Submission:

Labcorp Genetics (formerly Invitae), Labcorp
Classification: Uncertain significance. Last evaluated: 2023-09-08. Review status: criteria provided, single submitter. Criteria: Invitae Variant Classification Sherloc (09022015). Collection method: clinical testing. Allele origin: germline.
Comment: In summary, the available evidence is currently insufficient to determine the role of this variant in disease. Therefore, it has been classified as a Variant of Uncertain Significance. An algorithm developed to predict the effect of missense changes on protein structure and function (PolyPhen-2) suggests that this variant is likely to be tolerated. This variant has not been reported in the literature in individuals affected with ADGRE2-related conditions. This variant is not present in population databases (gnomAD no frequency). This sequence change replaces valine, which is neutral and non-polar, with alanine, which is neutral and non-polar, at codon 77 of the ADGRE2 protein (p.Val77Ala).